The following is an entry in ClinVar:

NM_021076.4(NEFH):c.857C>T (p.Thr286Met)

Gene: NEFH (neurofilament heavy chain; plus strand). Cytogenetic location: 22q12.2.
Variant type: single nucleotide variant.
Coding change: c.857C>T on transcript NM_021076.4 (MANE Select); coding-DNA position 857, C replaced by T.
Protein change: p.Thr286Met; replaces threonine 286 with methionine.
Molecular consequence: missense variant.
Genome position (GRCh38, 1-based): chr22:29,481,119, C>T. VCF-style: chr22-29481119-C-T. GRCh37 (hg19) VCF-style: chr22-29877108-C-T.
Other names: c.857C>T (NM_021076.3); short protein forms T286M.
Identifiers: ClinVar variation 1384949 (VCV001384949.7), dbSNP rs1420857434, ClinGen allele CA411124253.

ClinVar aggregate classification (germline): Uncertain significance. Review status: criteria provided, multiple submitters, no conflicts (2 of 4 stars). 2 submissions from 2 submitters: Uncertain significance (2). Last evaluated 2023-12-22.

Conditions:
Inborn genetic diseases. Identifiers: MedGen C0950123, MeSH D030342.

Allele frequency attached by ClinVar (database versions not stated): gnomAD exomes below 0.00001 and 0.00001; TOPMed 0.00001.
gnomAD v4.1: 4 of 1,530,226 alleles (0.00026%); highest among the groups gnomAD compares: Non-Finnish European, 0.00026%; no homozygotes.

Submissions (2):

Ambry Genetics
Classification: Uncertain significance for Inborn genetic diseases. Last evaluated: 2023-12-22. Review status: criteria provided, single submitter. Criteria: Ambry Variant Classification Scheme 2023. Collection method: clinical testing. Allele origin: germline.

Labcorp Genetics (formerly Invitae), Labcorp
Classification: Uncertain significance. Last evaluated: 2021-10-21. Review status: criteria provided, single submitter. Criteria: Invitae Variant Classification Sherloc (09022015). Collection method: clinical testing. Allele origin: germline.
Comment: In summary, the available evidence is currently insufficient to determine the role of this variant in disease. Therefore, it has been classified as a Variant of Uncertain Significance. Advanced modeling of protein sequence and biophysical properties (such as structural, functional, and spatial information, amino acid conservation, physicochemical variation, residue mobility, and thermodynamic stability) performed at Invitae indicates that this missense variant is not expected to disrupt NEFH protein function. This variant has not been reported in the literature in individuals affected with NEFH-related conditions. The frequency data for this variant in the population databases is considered unreliable, as metrics indicate insufficient coverage at this position in the ExAC database. This sequence change replaces threonine with methionine at codon 286 of the NEFH protein (p.Thr286Met). The threonine residue is highly conserved and there is a moderate physicochemical difference between threonine and methionine.